The following is an entry in ClinVar:

ClinVar aggregate classification (germline): Uncertain significance (1 of 4 stars; one submission).

Conditions:
Bardet-Biedl syndrome (BBS). Identifiers: Orphanet 110, MedGen C0752166, MONDO:0015229.

Allele frequency attached by ClinVar (database versions not stated): gnomAD exomes below 0.00001.
gnomAD v4.1: 1 of 1,614,116 alleles (0.000062%); highest among the groups gnomAD compares: East Asian, 0.0022%; no homozygotes.

Submission:

Labcorp Genetics (formerly Invitae), Labcorp
Classification: Uncertain significance for Bardet-Biedl syndrome. Last evaluated: 2022-08-21. Review status: criteria provided, single submitter. Criteria: Invitae Variant Classification Sherloc (09022015). Collection method: clinical testing. Allele origin: germline.
Comment: In summary, the available evidence is currently insufficient to determine the role of this variant in disease. Therefore, it has been classified as a Variant of Uncertain Significance. Algorithms developed to predict the effect of missense changes on protein structure and function output the following: SIFT: "Tolerated"; PolyPhen-2: "Benign"; Align-GVGD: "Class C0". The glycine amino acid residue is found in multiple mammalian species, which suggests that this missense change does not adversely affect protein function. This variant has not been reported in the literature in individuals affected with BBS10-related conditions. This variant is not present in population databases (gnomAD no frequency). This sequence change replaces aspartic acid, which is acidic and polar, with glycine, which is neutral and non-polar, at codon 427 of the BBS10 protein (p.Asp427Gly).

NM_024685.4(BBS10):c.1280A>G (p.Asp427Gly)

Gene: BBS10 (Bardet-Biedl syndrome 10; minus strand). Cytogenetic location: 12q21.2.
Variant type: single nucleotide variant.
Coding change: c.1280A>G on transcript NM_024685.4 (MANE Select); coding-DNA position 1280, A replaced by G.
Protein change: p.Asp427Gly; replaces aspartic acid 427 with glycine.
Molecular consequence: missense variant.
Genome position (GRCh38, 1-based): chr12:76,346,705, T>C on the plus strand (A>G on the coding strand, the complement: BBS10 is on the minus strand). VCF-style: chr12-76346705-T-C. GRCh37 (hg19) VCF-style: chr12-76740485-T-C.
Other names: short protein forms D427G.
Identifiers: ClinVar variation 2170398 (VCV002170398.2), dbSNP rs1951761588, ClinGen allele CA385811796.